The following is an entry in ClinVar:

ClinVar aggregate classification (germline): Uncertain significance (1 of 4 stars; one submission).

Conditions:
Macrothrombocytopenia and granulocyte inclusions with or without nephritis or sensorineural hearing loss (MATINS). Also called: MYH9-Related Disease (MYH9-RD); BLEEDING DISORDER, PLATELET-TYPE, 6; MAY-HEGGLIN ANOMALY; DOHLE LEUKOCYTE INCLUSIONS WITH GIANT PLATELETS; MACROTHROMBOCYTOPENIA WITH LEUKOCYTE INCLUSIONS; SEBASTIAN PLATELET SYNDROME. Identifiers: Orphanet 182050, MedGen C5200934, MONDO:0015912, OMIM 155100.

Submission:

MVZ Medizinische Genetik Mainz
Classification: Uncertain significance for Macrothrombocytopenia and granulocyte inclusions with or without nephritis or sensorineural hearing loss. Last evaluated: 2025-05-30. Review status: criteria provided, single submitter. Criteria: UK Practice Guidelines For Variant Classification V4 01 2020. Collection method: clinical testing. Allele origin: germline. Inheritance: Autosomal dominant inheritance. Affected: yes. Observed: 1 variant allele.
Comment: ACMG Criteria: PM2_SUP,PP2,PP3

NM_002473.6(MYH9):c.328A>G (p.Ile110Val)

Gene: MYH9 (myosin heavy chain 9; minus strand). Cytogenetic location: 22q12.3.
Variant type: single nucleotide variant.
Coding change: c.328A>G on transcript NM_002473.6 (MANE Select); coding-DNA position 328, A replaced by G.
Protein change: p.Ile110Val; replaces isoleucine 110 with valine.
Molecular consequence: missense variant.
Genome position (GRCh38, 1-based): chr22:36,348,909, T>C on the plus strand (A>G on the coding strand, the complement: MYH9 is on the minus strand). VCF-style: chr22-36348909-T-C. GRCh37 (hg19) VCF-style: chr22-36744954-T-C.
Other names: short protein forms I110V.
Identifiers: ClinVar variation 3907686 (VCV003907686.1).